The following is an entry in ClinVar:

NM_001105206.3(LAMA4):c.2668-177C>T

Genes: LAMA4 (laminin subunit alpha 4; minus strand), LOC126859766 (MED14-independent group 3 enhancer GRCh37_chr6:112462018-112463217; plus strand). Cytogenetic location: 6q21.
Variant type: single nucleotide variant.
Coding change: c.2668-177C>T on transcript NM_001105206.3 (MANE Select); 177 bases into the intron before coding-DNA position 2668, C replaced by T.
Molecular consequence: intron variant.
Genome position (GRCh38, 1-based): chr6:112,141,680, G>A on the plus strand (C>T on the coding strand, the complement: LAMA4 is on the minus strand). VCF-style: chr6-112141680-G-A. GRCh37 (hg19) VCF-style: chr6-112462882-G-A.
Other names: c.2647-177C>T (NM_002290.5, NM_001105207.3).
Identifiers: ClinVar variation 673047 (VCV000673047.1), dbSNP rs1016825, ClinGen allele CA12357078.

ClinVar aggregate classification (germline): Benign (1 of 4 stars; one submission).

Allele frequency attached by ClinVar (database versions not stated): 1000 Genomes Project 0.28035; gnomAD 0.28177 and 0.28627; 1000 Genomes Project 30x 0.28389; TOPMed 0.29303.
gnomAD v4.1: 42,837 of 152,024 alleles (28%); highest among the groups gnomAD compares: African/African-American, 38%; 6,324 homozygotes.

Submission:

GeneDx
Classification: Benign. Last evaluated: 2018-06-15. Review status: criteria provided, single submitter. Criteria: GeneDx Variant Classification (06012015). Collection method: clinical testing. Allele origin: germline. Affected: yes.
Comment: This variant is considered likely benign or benign based on one or more of the following criteria: it is a conservative change, it occurs at a poorly conserved position in the protein, it is predicted to be benign by multiple in silico algorithms, and/or has population frequency not consistent with disease.